The following is an entry in ClinVar:

ClinVar aggregate classification (germline): Uncertain significance (1 of 4 stars; one submission).

Submission:

GeneDx
Classification: Uncertain significance. Last evaluated: 2026-09-30. Review status: criteria provided, single submitter. Criteria: GeneDx Variant Classification Process June 2021. Collection method: clinical testing. Allele origin: germline.
Comment: Not observed at significant frequency in large population cohorts (gnomAD); In silico analysis supports that this missense variant has a deleterious effect on protein structure/function; Has not been previously published as pathogenic or benign to our knowledge

NM_005909.5(MAP1B):c.1268A>G (p.Tyr423Cys)

Gene: MAP1B (microtubule associated protein 1B; plus strand). Cytogenetic location: 5q13.2.
Variant type: single nucleotide variant.
Coding change: c.1268A>G on transcript NM_005909.5 (MANE Select); coding-DNA position 1268, A replaced by G.
Protein change: p.Tyr423Cys; replaces tyrosine 423 with cysteine.
Molecular consequence: missense variant.
Genome position (GRCh38, 1-based): chr5:72,194,623, A>G. VCF-style: chr5-72194623-A-G. GRCh37 (hg19) VCF-style: chr5-71490450-A-G.
Other names: c.890A>G, p.Tyr297Cys (NM_001324255.2); short protein forms Y297C, Y423C.
Identifiers: ClinVar variation 4530967 (VCV004530967.2).
Genomic context (GRCh38, chr5:72,194,623, plus strand): 5'-GCAATACTATTGATCCTGTCATTCTTTTCCAAAAAATGGGAGTAGGTAAACTTGAGATGT[A>G]TGTGCTTAATCCAGTCAAGAGCAGCAAGGAAATGCAGTATTTTATGCAGCAGTGGACTGG-3'
Protein context (NP_005900.2, residues 413-433): QKMGVGKLEM[Tyr423Cys]VLNPVKSSKE